The following is an entry in ClinVar:

ClinVar aggregate classification (germline): Uncertain significance. Review status: criteria provided, multiple submitters, no conflicts (2 of 4 stars). 2 submissions from 2 submitters: Uncertain significance (2). Last evaluated 2025-11-09.

Conditions:
Hereditary cancer-predisposing syndrome. Also called: Hereditary Cancer Syndrome; Tumor predisposition; Hereditary neoplastic syndrome; Neoplastic Syndromes, Hereditary. Identifiers: Orphanet 140162, MedGen C0027672, MeSH D009386, MONDO:0015356.

Allele frequency attached by ClinVar (database versions not stated): gnomAD exomes below 0.00001.
gnomAD v4.1: 6 of 1,613,692 alleles (0.00037%); highest among the groups gnomAD compares: Non-Finnish European, 0.00051%; no homozygotes.

Submissions (2):

Labcorp Genetics (formerly Invitae), Labcorp
Classification: Uncertain significance. Last evaluated: 2025-11-09. Review status: criteria provided, single submitter. Criteria: Invitae Variant Classification Sherloc (09022015). Collection method: clinical testing. Allele origin: germline.
Comment: This sequence change replaces asparagine, which is neutral and polar, with lysine, which is basic and polar, at codon 460 of the MSH3 protein (p.Asn460Lys). This variant is not present in population databases (gnomAD no frequency). This variant has not been reported in the literature in individuals affected with MSH3-related conditions. ClinVar contains an entry for this variant (Variation ID: 645790). An algorithm developed to predict the effect of missense changes on protein structure and function (PolyPhen-2) suggests that this variant is likely to be tolerated. In summary, the available evidence is currently insufficient to determine the role of this variant in disease. Therefore, it has been classified as a Variant of Uncertain Significance.

Ambry Genetics
Classification: Uncertain significance for Hereditary cancer-predisposing syndrome. Last evaluated: 2022-01-11. Review status: criteria provided, single submitter. Criteria: Ambry Variant Classification Scheme 2023. Collection method: clinical testing. Allele origin: germline.
Comment: The p.N460K variant (also known as c.1380C>A), located in coding exon 9 of the MSH3 gene, results from a C to A substitution at nucleotide position 1380. The asparagine at codon 460 is replaced by lysine, an amino acid with similar properties. This amino acid position is not well conserved in available vertebrate species. In addition, this alteration is predicted to be tolerated by in silico analysis. Since supporting evidence is limited at this time, the clinical significance of this alteration remains unclear.

NM_002439.5(MSH3):c.1380C>A (p.Asn460Lys)

Gene: MSH3 (mutS homolog 3; plus strand). Cytogenetic location: 5q14.1.
Variant type: single nucleotide variant.
Coding change: c.1380C>A on transcript NM_002439.5 (MANE Select); coding-DNA position 1380, C replaced by A.
Protein change: p.Asn460Lys; replaces asparagine 460 with lysine.
Molecular consequence: missense variant.
Genome position (GRCh38, 1-based): chr5:80,725,492, C>A. VCF-style: chr5-80725492-C-A. GRCh37 (hg19) VCF-style: chr5-80021311-C-A.
Other names: short protein forms N460K.
Identifiers: ClinVar variation 645790 (VCV000645790.11), dbSNP rs1580587428, ClinGen allele CA360273437.